The following is an entry in ClinVar:

NM_020699.4(GATAD2B):c.1405del (p.Leu469fs)

Gene: GATAD2B (GATA zinc finger domain containing 2B; minus strand). Cytogenetic location: 1q21.3.
Variant type: Deletion.
Coding change: c.1405del on transcript NM_020699.4 (MANE Select); coding-DNA position 1405, one base deleted (C; older notation c.1405delC).
Protein change: p.Leu469fs; shifts the reading frame from leucine 469.
Molecular consequence: frameshift variant.
Genome position (GRCh38, 1-based): chr1:153,813,264, G deleted on the plus strand (C on the coding strand, the reverse complement: GATAD2B is on the minus strand); the first of 3 consecutive G bases (chr1:153,813,264-153,813,266); deleting any one gives the same sequence. VCF-style (leftmost placement, unchanged base first): chr1-153813263-AG-A. GRCh37 (hg19) VCF-style: chr1-153785739-AG-A.
Other names: short protein forms L469fs.
Identifiers: ClinVar variation 3367144 (VCV003367144.1).

ClinVar aggregate classification (germline): Likely pathogenic (1 of 4 stars; one submission).

Conditions:
Severe intellectual disability-poor language-strabismus-grimacing face-long fingers syndrome (GAND). Also called: GAND SYNDROME. Identifiers: Orphanet 363686, MedGen C3554448, MONDO:0014034, OMIM 615074.

Submission:

Neuberg Centre For Genomic Medicine, NCGM
Classification: Likely pathogenic for Severe intellectual disability-poor language-strabismus-grimacing face-long fingers syndrome. Last evaluated: 2023-05-20. Review status: criteria provided, single submitter. Criteria: ACMG Guidelines, 2015. Collection method: clinical testing. Allele origin: germline. Inheritance: Autosomal dominant inheritance. Affected: yes.
Comment: The frameshift c.1405del (p.Leu469TyrfsTer35) variant in the GATAD2B gene has not been reported previously as a pathogenic variant nor as a benign variant, to our knowledge. The variant is absent in gnomAD Exomes. This variant causes a frameshift starting with codon Leucine 469, changes this amino acid to Tyrosine residue, and creates a premature Stop codon at position 35 of the new reading frame, denoted p.Leu469TyrfsTer35. This variant is predicted to cause loss of normal protein function through protein truncation. Loss of function variants have been previously reported to be disease causing. For these reasons, this variant has been classified as Likely Pathogenic.